The following is an entry in ClinVar:

ClinVar aggregate classification (germline): Uncertain significance. Review status: criteria provided, multiple submitters, no conflicts (2 of 4 stars). 4 submissions from 4 submitters: Uncertain significance (4). Last evaluated 2025-06-10.

Conditions:
Ehlers-Danlos syndrome, musculocontractural type 2 (EDSMC2). Identifiers: Orphanet 2953, MedGen C3809845, MONDO:0014236, OMIM 615539.

Allele frequency attached by ClinVar (database versions not stated): gnomAD exomes 0.00006 and 0.00016; ExAC 0.00011; gnomAD 0.00004; TOPMed 0.00004; ESP Exome Variant Server 0.00031.
gnomAD v4.1: 240 of 1,613,996 alleles (0.015%); highest among the groups gnomAD compares: Non-Finnish European, 0.02%; no homozygotes.

Submissions (4):

GeneDx
Classification: Uncertain significance. Last evaluated: 2025-06-10. Review status: criteria provided, single submitter. Criteria: GeneDx Variant Classification Process June 2021. Collection method: clinical testing. Allele origin: germline. Affected: yes.
Comment: Not observed at significant frequency in large population cohorts (gnomAD); In silico analysis supports that this missense variant does not alter protein structure/function; Has not been previously published as pathogenic or benign to our knowledge

Women's Health and Genetics/Laboratory Corporation of America, LabCorp
Classification: Uncertain significance. Last evaluated: 2025-01-29. Review status: criteria provided, single submitter. Criteria: LabCorp Variant Classification Summary - May 2015. Collection method: clinical testing. Allele origin: germline.
Comment: Variant summary: DSE c.95T>C (p.Met32Thr) results in a non-conservative amino acid change in the encoded protein sequence. Three of five in-silico tools predict a benign effect of the variant on protein function. The variant allele was found at a frequency of 5.6e-05 in 251394 control chromosomes. This frequency is not significantly higher than estimated for a pathogenic variant in DSE causing Ehlers-Danlos syndrome, musculocontractural type 2 (5.6e-05 vs 0.0011), allowing no conclusion about variant significance. To our knowledge, no occurrence of c.95T>C in individuals affected with Ehlers-Danlos syndrome, musculocontractural type 2 and no experimental evidence demonstrating its impact on protein function have been reported. ClinVar contains an entry for this variant (Variation ID: 1310544). Based on the evidence outlined above, the variant was classified as uncertain significance.

Mayo Clinic Laboratories, Mayo Clinic
Classification: Uncertain significance. Last evaluated: 2023-05-25. Review status: criteria provided, single submitter. Criteria: ACMG Guidelines, 2015. Collection method: clinical testing. Allele origin: germline. Observed: 1 variant allele.
Comment: BP4

Labcorp Genetics (formerly Invitae), Labcorp
Classification: Uncertain significance for Ehlers-Danlos syndrome, musculocontractural type 2. Last evaluated: 2022-09-01. Review status: criteria provided, single submitter. Criteria: Invitae Variant Classification Sherloc (09022015). Collection method: clinical testing. Allele origin: germline.
Comment: In summary, the available evidence is currently insufficient to determine the role of this variant in disease. Therefore, it has been classified as a Variant of Uncertain Significance. Algorithms developed to predict the effect of missense changes on protein structure and function are either unavailable or do not agree on the potential impact of this missense change (SIFT: "Not Available"; PolyPhen-2: "Benign"; Align-GVGD: "Not Available"). ClinVar contains an entry for this variant (Variation ID: 1310544). This variant has not been reported in the literature in individuals affected with DSE-related conditions. This variant is present in population databases (rs140765634, gnomAD 0.02%). This sequence change replaces methionine with threonine at codon 32 of the DSE protein (p.Met32Thr). The methionine residue is moderately conserved and there is a moderate physicochemical difference between methionine and threonine.

NM_013352.4(DSE):c.95T>C (p.Met32Thr)

Gene: DSE (dermatan sulfate epimerase; plus strand). Cytogenetic location: 6q22.1.
Variant type: single nucleotide variant.
Coding change: c.95T>C on transcript NM_013352.4 (MANE Select); coding-DNA position 95, T replaced by C.
Protein change: p.Met32Thr; replaces methionine 32 with threonine.
Molecular consequence: missense variant. On other transcripts: 5 prime UTR variant (4), non-coding transcript variant (1).
Genome position (GRCh38, 1-based): chr6:116,399,345, T>C. VCF-style: chr6-116399345-T-C. GRCh37 (hg19) VCF-style: chr6-116720508-T-C.
Other names: p.Met32Thr; c.95T>C, p.Met32Thr (NM_001080976.3, NM_001322937.2, NM_001322938.2 and 3 more transcripts); c.152T>C, p.Met51Thr (NM_001322939.2); c.-463T>C (NM_001322940.2, NM_001322941.2); c.-806T>C (NM_001374520.1); c.-493T>C (NM_001374521.1); short protein forms M32T, M51T.
Identifiers: ClinVar variation 1310544 (VCV001310544.10), dbSNP rs140765634, ClinGen allele CA3969457.